The following is an entry in ClinVar:

NM_032444.4(SLX4):c.2372T>G (p.Ile791Ser)

Gene: SLX4 (SLX4 structure-specific endonuclease subunit; minus strand). Cytogenetic location: 16p13.3.
Variant type: single nucleotide variant.
Coding change: c.2372T>G on transcript NM_032444.4 (MANE Select); coding-DNA position 2372, T replaced by G.
Protein change: p.Ile791Ser; replaces isoleucine 791 with serine.
Molecular consequence: missense variant.
Genome position (GRCh38, 1-based): chr16:3,591,266, A>C on the plus strand (T>G on the coding strand, the complement: SLX4 is on the minus strand). VCF-style: chr16-3591266-A-C. GRCh37 (hg19) VCF-style: chr16-3641267-A-C.
Other names: short protein forms I791S.
Identifiers: ClinVar variation 1401889 (VCV001401889.8), dbSNP rs2040591427, ClinGen allele CA394524061.

ClinVar aggregate classification (germline): Uncertain significance (1 of 4 stars; one submission).

Conditions:
Fanconi anemia (FA). Also called: Fanconi's anemia. Identifiers: Orphanet 84, MedGen C0015625, MeSH D005199, MONDO:0019391.

Allele frequency attached by ClinVar (database versions not stated): gnomAD exomes below 0.00001.
gnomAD v4.1: 2 of 1,612,820 alleles (0.00012%); highest among the groups gnomAD compares: African/African-American, 0.0027%; no homozygotes.

Submission:

Labcorp Genetics (formerly Invitae), Labcorp
Classification: Uncertain significance for Fanconi anemia. Last evaluated: 2021-04-24. Review status: criteria provided, single submitter. Criteria: Invitae Variant Classification Sherloc (09022015). Collection method: clinical testing. Allele origin: germline.
Comment: This variant has not been reported in the literature in individuals with SLX4-related conditions. Algorithms developed to predict the effect of missense changes on protein structure and function (SIFT, PolyPhen-2, Align-GVGD) all suggest that this variant is likely to be tolerated, but these predictions have not been confirmed by published functional studies and their clinical significance is uncertain. In summary, the available evidence is currently insufficient to determine the role of this variant in disease. Therefore, it has been classified as a Variant of Uncertain Significance. This variant is not present in population databases (ExAC no frequency). This sequence change replaces isoleucine with serine at codon 791 of the SLX4 protein (p.Ile791Ser). The isoleucine residue is weakly conserved and there is a large physicochemical difference between isoleucine and serine.